The following is an entry in ClinVar:

ClinVar aggregate classification (germline): Likely benign. Review status: criteria provided, multiple submitters, no conflicts (2 of 4 stars). 2 submissions from 2 submitters: Likely benign (2). Last evaluated 2024-04-08.

Conditions:
Inborn genetic diseases. Identifiers: MedGen C0950123, MeSH D030342.

Allele frequency attached by ClinVar (database versions not stated): 1000 Genomes Project 0.00100; 1000 Genomes Project 30x 0.00109; gnomAD 0.00162; TOPMed 0.00201; ESP Exome Variant Server 0.00216.
gnomAD v4.1: 468 of 1,612,942 alleles (0.029%); highest among the groups gnomAD compares: African/African-American, 0.58%; 2 homozygotes.

Submissions (2):

Ambry Genetics
Classification: Likely benign for Inborn genetic diseases. Last evaluated: 2024-04-08. Review status: criteria provided, single submitter. Criteria: Ambry Variant Classification Scheme 2023. Collection method: clinical testing. Allele origin: germline.

CeGaT Center for Human Genetics Tuebingen
Classification: Likely benign. Last evaluated: 2023-02-01. Review status: criteria provided, single submitter. Criteria: CeGaT Center For Human Genetics Tuebingen Variant Classification Criteria Version 2. Collection method: clinical testing. Allele origin: germline. Affected: yes. Observed: 1 variant allele.
Comment: SPEN: BP4, BS1

NM_015001.3(SPEN):c.9664G>C (p.Ala3222Pro)

Gene: SPEN (spen family transcriptional repressor; plus strand). Cytogenetic location: 1p36.13.
Variant type: single nucleotide variant.
Coding change: c.9664G>C on transcript NM_015001.3 (MANE Select); coding-DNA position 9664, G replaced by C.
Protein change: p.Ala3222Pro; replaces alanine 3222 with proline.
Molecular consequence: missense variant.
Genome position (GRCh38, 1-based): chr1:15,935,904, G>C. VCF-style: chr1-15935904-G-C. GRCh37 (hg19) VCF-style: chr1-16262399-G-C.
Other names: c.9664G>C (NM_015001.2); short protein forms A3222P.
Identifiers: ClinVar variation 2638345 (VCV002638345.25), dbSNP rs143223138, ClinGen allele CA620532.